The following is an entry in ClinVar:

NM_001105206.3(LAMA4):c.5205A>G (p.Thr1735=)

Gene: LAMA4 (laminin subunit alpha 4; minus strand). Cytogenetic location: 6q21.
Variant type: single nucleotide variant.
Coding change: c.5205A>G on transcript NM_001105206.3 (MANE Select); coding-DNA position 5205, A replaced by G.
Protein change: p.Thr1735=; no amino-acid change (threonine 1735 retained).
Molecular consequence: synonymous variant.
Genome position (GRCh38, 1-based): chr6:112,114,664, T>C on the plus strand (A>G on the coding strand, the complement: LAMA4 is on the minus strand). VCF-style: chr6-112114664-T-C. GRCh37 (hg19) VCF-style: chr6-112435867-T-C.
Other names: c.5184A>G, p.Thr1728= (NM_001105207.3, NM_002290.5).
Identifiers: ClinVar variation 4747428 (VCV004747428.1).

ClinVar aggregate classification (germline): Uncertain significance (1 of 4 stars; one submission).

Conditions:
Dilated cardiomyopathy 1JJ (CMD1JJ). Identifiers: Orphanet 154, MedGen C3808935, MONDO:0014095, OMIM 615235.

gnomAD v4.1: 4 of 1,607,662 alleles (0.00025%); highest among the groups gnomAD compares: Non-Finnish European, 0.00034%; no homozygotes.

Submission:

Labcorp Genetics (formerly Invitae), Labcorp
Classification: Uncertain significance for Dilated cardiomyopathy 1JJ. Last evaluated: 2025-04-01. Review status: criteria provided, single submitter. Criteria: Invitae Variant Classification Sherloc (09022015). Collection method: clinical testing. Allele origin: germline.
Comment: This sequence change affects codon 1728 of the LAMA4 mRNA. It is a 'silent' change, meaning that it does not change the encoded amino acid sequence of the LAMA4 protein. It affects a nucleotide within the consensus splice site. This variant is present in population databases (no rsID available, gnomAD 0.007%). This variant has not been reported in the literature in individuals affected with LAMA4-related conditions. Algorithms developed to predict the effect of sequence changes on RNA splicing suggest that this variant may create or strengthen a splice site. In summary, the available evidence is currently insufficient to determine the role of this variant in disease. Therefore, it has been classified as a Variant of Uncertain Significance.